The following is an entry in ClinVar:

NM_020949.3(SLC7A14):c.1337A>G (p.Glu446Gly)

Genes: SLC7A14 (solute carrier family 7 member 14; minus strand), SLC7A14-AS1 (SLC7A14 antisense RNA 1; plus strand). Cytogenetic location: 3q26.2.
Variant type: single nucleotide variant.
Coding change: c.1337A>G on transcript NM_020949.3 (MANE Select); coding-DNA position 1337, A replaced by G.
Protein change: p.Glu446Gly; replaces glutamic acid 446 with glycine.
Molecular consequence: missense variant.
Genome position (GRCh38, 1-based): chr3:170,480,945, T>C on the plus strand (A>G on the coding strand, the complement: SLC7A14 is on the minus strand). VCF-style: chr3-170480945-T-C. GRCh37 (hg19) VCF-style: chr3-170198734-T-C.
Other names: c.1337A>G (NM_020949.2); short protein forms E446G.
Identifiers: ClinVar variation 1713980 (VCV001713980.6), dbSNP rs1047988837, ClinGen allele CA87710324.

ClinVar aggregate classification (germline): Uncertain significance. Review status: criteria provided, multiple submitters, no conflicts (2 of 4 stars). 2 submissions from 2 submitters: Uncertain significance (2). Last evaluated 2025-07-31.

Allele frequency attached by ClinVar (database versions not stated): gnomAD exomes below 0.00001.

Submissions (2):

Ambry Genetics
Classification: Uncertain significance. Last evaluated: 2025-07-31. Review status: criteria provided, single submitter. Criteria: Ambry Variant Classification Scheme 2023. Collection method: clinical testing. Allele origin: germline.

Labcorp Genetics (formerly Invitae), Labcorp
Classification: Uncertain significance. Last evaluated: 2022-07-27. Review status: criteria provided, single submitter. Criteria: Invitae Variant Classification Sherloc (09022015). Collection method: clinical testing. Allele origin: germline.
Comment: This variant is not present in population databases (gnomAD no frequency). In summary, the available evidence is currently insufficient to determine the role of this variant in disease. Therefore, it has been classified as a Variant of Uncertain Significance. Algorithms developed to predict the effect of missense changes on protein structure and function (SIFT, PolyPhen-2, Align-GVGD) all suggest that this variant is likely to be tolerated. This variant has not been reported in the literature in individuals affected with SLC7A14-related conditions. This sequence change replaces glutamic acid, which is acidic and polar, with glycine, which is neutral and non-polar, at codon 446 of the SLC7A14 protein (p.Glu446Gly).